The following is an entry in ClinVar:

NM_031220.4(PITPNM3):c.682C>T (p.Gln228Ter)

Gene: PITPNM3 (PITPNM family member 3; minus strand). Cytogenetic location: 17p13.2.
Variant type: single nucleotide variant.
Coding change: c.682C>T on transcript NM_031220.4 (MANE Select); coding-DNA position 682, C replaced by T.
Protein change: p.Gln228Ter; replaces glutamine 228 with a stop codon.
Molecular consequence: nonsense.
Genome position (GRCh38, 1-based): chr17:6,478,642, G>A on the plus strand (C>T on the coding strand, the complement: PITPNM3 is on the minus strand). VCF-style: chr17-6478642-G-A. GRCh37 (hg19) VCF-style: chr17-6381962-G-A.
Other names: c.574C>T, p.Gln192Ter (NM_001165966.2); short protein forms Q228*, Q192*.
Identifiers: ClinVar variation 1968117 (VCV001968117.5), dbSNP rs2544018907, ClinGen allele CA397409217.
Genomic context (GRCh38, chr17:6,478,642, plus strand): 5'-GGAACTCTCTGTAGACCTGGTTGGCTCGCTCGATGACGGTGGCGACAGCATCCTGGTACT[G>A]CGGGGAGGAGATGGCCAACAGGGGAAGGGCGGCCAGAGGGACGTGGTCCTGGCTGCTGCT-3'

ClinVar aggregate classification (germline): Uncertain significance (1 of 4 stars; one submission).

Submission:

Labcorp Genetics (formerly Invitae), Labcorp
Classification: Uncertain significance. Last evaluated: 2021-12-15. Review status: criteria provided, single submitter. Criteria: Invitae Variant Classification Sherloc (09022015). Collection method: clinical testing. Allele origin: germline.
Comment: This sequence change creates a premature translational stop signal (p.Gln228*) in the PITPNM3 gene. It is expected to result in an absent or disrupted protein product. However, the current clinical and genetic evidence is not sufficient to establish whether loss-of-function variants in PITPNM3 cause disease. This variant is not present in population databases (gnomAD no frequency). This variant has not been reported in the literature in individuals affected with PITPNM3-related conditions. Experimental studies and prediction algorithms are not available or were not evaluated, and the functional significance of this variant is currently unknown. In summary, the available evidence is currently insufficient to determine the role of this variant in disease. Therefore, it has been classified as a Variant of Uncertain Significance.